The following is an entry in ClinVar:

NM_004655.4(AXIN2):c.1451G>T (p.Gly484Val)

Gene: AXIN2 (axin 2; minus strand). Cytogenetic location: 17q24.1.
Variant type: single nucleotide variant.
Coding change: c.1451G>T on transcript NM_004655.4 (MANE Select); coding-DNA position 1451, G replaced by T.
Protein change: p.Gly484Val; replaces glycine 484 with valine.
Molecular consequence: missense variant.
Genome position (GRCh38, 1-based): chr17:65,537,585, C>A on the plus strand (G>T on the coding strand, the complement: AXIN2 is on the minus strand). VCF-style: chr17-65537585-C-A. GRCh37 (hg19) VCF-style: chr17-63533703-C-A.
Other names: c.1451G>T, p.Gly484Val (NM_001363813.1); short protein forms G484V.
Identifiers: ClinVar variation 1055765 (VCV001055765.9), dbSNP rs2144462482, ClinGen allele CA400677472.

ClinVar aggregate classification (germline): Uncertain significance (1 of 4 stars; one submission).

Conditions:
Oligodontia-cancer predisposition syndrome. Also called: TOOTH AGENESIS-COLORECTAL CANCER SYNDROME. Identifiers: Orphanet 300576, MedGen C1837750, MONDO:0012075, OMIM 608615. Disease mechanism: loss of function.

Submission:

Labcorp Genetics (formerly Invitae), Labcorp
Classification: Uncertain significance for Oligodontia-cancer predisposition syndrome. Last evaluated: 2020-08-20. Review status: criteria provided, single submitter. Criteria: Invitae Variant Classification Sherloc (09022015). Collection method: clinical testing. Allele origin: germline.
Comment: This sequence change replaces glycine with valine at codon 484 of the AXIN2 protein (p.Gly484Val). The glycine residue is highly conserved and there is a moderate physicochemical difference between glycine and valine. In summary, the available evidence is currently insufficient to determine the role of this variant in disease. Therefore, it has been classified as a Variant of Uncertain Significance. Algorithms developed to predict the effect of missense changes on protein structure and function are either unavailable or do not agree on the potential impact of this missense change (SIFT: "Tolerated"; PolyPhen-2: "Possibly Damaging"; Align-GVGD: "Class C0"). This variant has not been reported in the literature in individuals with AXIN2-related conditions. This variant is not present in population databases (ExAC no frequency).